The following is an entry in ClinVar:

ClinVar aggregate classification (germline): Uncertain significance (1 of 4 stars; one submission).

Submission:

GeneDx
Classification: Uncertain significance. Last evaluated: 2025-03-06. Review status: criteria provided, single submitter. Criteria: GeneDx Variant Classification Process June 2021. Collection method: clinical testing. Allele origin: germline. Affected: yes.
Comment: Not observed at significant frequency in large population cohorts (gnomAD); In silico analysis indicates that this variant does not alter splicing; Has not been previously published as pathogenic or benign to our knowledge

NM_003491.4(NAA10):c.387-10del

Gene: NAA10 (N-alpha-acetyltransferase 10, NatA catalytic subunit; minus strand). Cytogenetic location: Xq28.
Variant type: Deletion.
Coding change: c.387-10del on transcript NM_003491.4 (MANE Select); 10 bases into the intron before coding-DNA position 387, one base deleted (C; older notation c.387-10delC).
Molecular consequence: intron variant.
Genome position (GRCh38, 1-based): chrX:153,930,857, G deleted on the plus strand (C on the coding strand, the reverse complement: NAA10 is on the minus strand). VCF-style (leftmost placement, unchanged base first): chrX-153930856-AG-A. GRCh37 (hg19) VCF-style: chrX-153196309-AG-A.
Other names: c.369-10del (NM_001256120.2); c.342-10del (NM_001256119.2).
Identifiers: ClinVar variation 4082696 (VCV004082696.1).
Genomic context (GRCh38, chrX:153,930,856, plus strand): 5'-GGCATAGGCGTCCTCCCCATCTGCATAGTATTTGGGCTCCACTTCACTGATCCTGGGGGC[AG>A]AGGGTTAGAGAGCAAGGAGGAAGACCTGTATCCCGGGGACACCCTCCTCCACTCCTGGTA-3'